The following is an entry in ClinVar:

NM_018975.4(TERF2IP):c.307C>T (p.Pro103Ser)

Gene: TERF2IP (TERF2 interacting protein; plus strand). Cytogenetic location: 16q23.1.
Variant type: single nucleotide variant.
Coding change: c.307C>T on transcript NM_018975.4 (MANE Select); coding-DNA position 307, C replaced by T.
Protein change: p.Pro103Ser; replaces proline 103 with serine.
Molecular consequence: missense variant. On other transcripts: non-coding transcript variant (1).
Genome position (GRCh38, 1-based): chr16:75,648,189, C>T. VCF-style: chr16-75648189-C-T. GRCh37 (hg19) VCF-style: chr16-75682087-C-T.
Other names: short protein forms P103S.
Identifiers: ClinVar variation 1727350 (VCV001727350.7), dbSNP rs760421834, ClinGen allele CA8177978.

ClinVar aggregate classification (germline): Conflicting classifications of pathogenicity. Review status: criteria provided, conflicting classifications (1 of 4 stars). 3 submissions from 3 submitters: Uncertain significance (2); Likely benign (1). Last evaluated 2025-05-26.

Allele frequency attached by ClinVar (database versions not stated): gnomAD 0.00009; ExAC 0.00006.
gnomAD v4.1: 126 of 1,551,712 alleles (0.0081%); highest among the groups gnomAD compares: Admixed American, 0.03%; no homozygotes.

Submissions (3):

Labcorp Genetics (formerly Invitae), Labcorp
Classification: Uncertain significance. Last evaluated: 2025-05-26. Review status: criteria provided, single submitter. Criteria: Invitae Variant Classification Sherloc (09022015). Collection method: clinical testing. Allele origin: germline.
Comment: This sequence change replaces proline, which is neutral and non-polar, with serine, which is neutral and polar, at codon 103 of the TERF2IP protein (p.Pro103Ser). This variant is present in population databases (rs760421834, gnomAD 0.05%). This variant has not been reported in the literature in individuals affected with TERF2IP-related conditions. ClinVar contains an entry for this variant (Variation ID: 1727350). An algorithm developed to predict the effect of missense changes on protein structure and function outputs the following: PolyPhen-2: "Benign". The serine amino acid residue is found in multiple mammalian species, which suggests that this missense change does not adversely affect protein function. In summary, the available evidence is currently insufficient to determine the role of this variant in disease. Therefore, it has been classified as a Variant of Uncertain Significance.

Center for Genomic Medicine, Rigshospitalet, Copenhagen University Hospital
Classification: Uncertain significance. Last evaluated: 2025-03-04. Review status: criteria provided, single submitter. Criteria: ACMG Guidelines, 2015. Collection method: clinical testing. Allele origin: germline.

Ambry Genetics
Classification: Likely benign. Last evaluated: 2023-12-07. Review status: criteria provided, single submitter. Criteria: Ambry Variant Classification Scheme 2023. Collection method: clinical testing. Allele origin: germline.